The following is an entry in ClinVar:

NM_002474.3(MYH11):c.5714G>A (p.Arg1905Gln)

Genes: MYH11 (myosin heavy chain 11; minus strand), NDE1 (nudE neurodevelopment protein 1; plus strand). Cytogenetic location: 16p13.11.
Variant type: single nucleotide variant.
Coding change: c.5714G>A on transcript NM_002474.3 (MANE Select); coding-DNA position 5714, G replaced by A.
Protein change: p.Arg1905Gln; replaces arginine 1905 with glutamine.
Molecular consequence: missense variant. On other transcripts: intron variant (2).
Genome position (GRCh38, 1-based): chr16:15,714,981, C>T on the plus strand (G>A on the coding strand, the complement: MYH11 is on the minus strand). VCF-style: chr16-15714981-C-T. GRCh37 (hg19) VCF-style: chr16-15808838-C-T.
Other names: c.5735G>A, p.Arg1912Gln (NM_001040113.2, NM_001040114.2); c.5714G>A, p.Arg1905Gln (NM_022844.3); c.948-9210C>T (NM_001143979.2, NM_017668.3); short protein forms R1905Q, R1912Q.
Identifiers: ClinVar variation 927693 (VCV000927693.19), dbSNP rs1443593366, ClinGen allele CA394846654.
Genomic context (GRCh38, chr16:15,714,981, plus strand): 5'-TTGAGTGCGTTCACCTCGCGGCCCATGGCCTCGTTGCTCTCCGTGGCCTCATCCAGCTCC[C>T]GCTGCAGCTTCCTGCGGTTGGCGTTGATGCGCTGGGACTCCTCCTCTGCCTCCTCCAGCT-3'
Protein context (NP_002465.1, residues 1895-1915): RINANRRKLQ[Arg1905Gln]ELDEATESNE

ClinVar aggregate classification (germline): Uncertain significance. Review status: criteria provided, multiple submitters, no conflicts (2 of 4 stars). 7 submissions from 7 submitters: Uncertain significance (7). Last evaluated 2024-03-06.

Conditions:
Aortic aneurysm, familial thoracic 4 (AAT4). Also called: AORTIC ANEURYSM/AORTIC DISSECTION AND PATENT DUCTUS ARTERIOSUS. Identifiers: MedGen C1851504, MONDO:0007568, OMIM 132900.
Visceral myopathy 2. Identifiers: MedGen C5543466, MONDO:0859157, OMIM 619350.
Megacystis-microcolon-intestinal hypoperistalsis syndrome 2. Identifiers: MedGen C5543476, MONDO:0025708, OMIM 619351.
Familial thoracic aortic aneurysm and aortic dissection (TAAD). Also called: Thoracic aortic aneurysms and dissections. Identifiers: Orphanet 91387, MedGen C4707243, MONDO:0019625.

Allele frequency attached by ClinVar (database versions not stated): gnomAD exomes 0.00001; TOPMed 0.00001; gnomAD 0.00002.
gnomAD v4.1: 13 of 1,613,986 alleles (0.00081%); highest among the groups gnomAD compares: East Asian, 0.0022%; no homozygotes.

Submissions (7):

Color Diagnostics, LLC DBA Color Health
Classification: Uncertain significance for Familial thoracic aortic aneurysm and aortic dissection. Last evaluated: 2024-03-06. Review status: criteria provided, single submitter. Criteria: ACMG Guidelines, 2015. Collection method: clinical testing. Allele origin: germline.
Comment: This missense variant replaces arginine with glutamine at codon 1912 of the MYH11 protein. Computational prediction is inconclusive regarding the impact of this variant on protein structure and function (internally defined REVEL score threshold 0.5 < inconclusive < 0.7, PMID: 27666373). To our knowledge, functional studies have not been reported for this variant. This variant has not been reported in individuals affected with MYH11-related disorders in the literature. This variant has not been identified in the general population by the Genome Aggregation Database (gnomAD). The available evidence is insufficient to determine the role of this variant in disease conclusively. Therefore, this variant is classified as a Variant of Uncertain Significance.

All of Us Research Program, National Institutes of Health
Classification: Uncertain significance for Familial thoracic aortic aneurysm and aortic dissection. Last evaluated: 2023-10-06. Review status: criteria provided, single submitter. Criteria: ACMG Guidelines, 2015. Collection method: clinical testing. Allele origin: germline. Inheritance: Autosomal dominant inheritance. Observed: 1 variant allele, 1 heterozygote.
Comment: This missense variant replaces arginine with glutamine at codon 1912 of the MYH11 protein. Computational prediction is inconclusive regarding the impact of this variant on protein structure and function (internally defined REVEL score threshold 0.5 < inconclusive < 0.7, PMID: 27666373). To our knowledge, functional studies have not been reported for this variant. This variant has not been reported in individuals affected with cardiovascular disorders in the literature. This variant has not been identified in the general population by the Genome Aggregation Database (gnomAD). The available evidence is insufficient to determine the role of this variant in disease conclusively. Therefore, this variant is classified as a Variant of Uncertain Significance.

This study involves interpretation of variants in research participants for the purpose of population health screening. Participant phenotype was not available at the time of variant classification. Additional details can be found in publication PMID: 35346344, PMCID: PMC8962531

Blueprint Genetics
Classification: Uncertain significance. Last evaluated: 2022-09-21. Review status: criteria provided, single submitter. Criteria: ACMG Guidelines, 2015. Collection method: clinical testing. Allele origin: germline.

Ambry Genetics
Classification: Uncertain significance for Familial thoracic aortic aneurysm and aortic dissection. Last evaluated: 2022-07-25. Review status: criteria provided, single submitter. Criteria: Ambry Variant Classification Scheme 2023. Collection method: clinical testing. Allele origin: germline.
Comment: The p.R1905Q variant (also known as c.5714G>A), located in coding exon 39 of the MYH11 gene, results from a G to A substitution at nucleotide position 5714. The arginine at codon 1905 is replaced by glutamine, an amino acid with highly similar properties. This amino acid position is conserved. In addition, the in silico prediction for this alteration is inconclusive. Since supporting evidence is limited at this time, the clinical significance of this alteration remains unclear.

Labcorp Genetics (formerly Invitae), Labcorp
Classification: Uncertain significance for Aortic aneurysm, familial thoracic 4. Last evaluated: 2022-02-01. Review status: criteria provided, single submitter. Criteria: Invitae Variant Classification Sherloc (09022015). Collection method: clinical testing. Allele origin: germline.
Comment: Algorithms developed to predict the effect of missense changes on protein structure and function are either unavailable or do not agree on the potential impact of this missense change (SIFT: "Deleterious"; PolyPhen-2: "Possibly Damaging"; Align-GVGD: "Class C0"). In summary, the available evidence is currently insufficient to determine the role of this variant in disease. Therefore, it has been classified as a Variant of Uncertain Significance. ClinVar contains an entry for this variant (Variation ID: 927693). This variant has not been reported in the literature in individuals affected with MYH11-related conditions. This variant is not present in population databases (gnomAD no frequency). This sequence change replaces arginine, which is basic and polar, with glutamine, which is neutral and polar, at codon 1912 of the MYH11 protein (p.Arg1912Gln).

Fulgent Genetics
Classification: Uncertain significance for Aortic aneurysm, familial thoracic 4; Visceral myopathy 2; Megacystis-microcolon-intestinal hypoperistalsis syndrome 2. Last evaluated: 2021-10-11. Review status: criteria provided, single submitter. Criteria: ACMG Guidelines, 2015. Collection method: clinical testing. Allele origin: unknown.

Human Genome Sequencing Center Clinical Lab, Baylor College of Medicine
Classification: Uncertain significance for Familial thoracic aortic aneurysm 4. Review status: criteria provided, single submitter. Criteria: ACMG Guidelines, 2015. Collection method: clinical testing. Allele origin: germline.